The following is an entry in ClinVar:

NM_001605.3(AARS1):c.617A>C (p.Gln206Pro)

Gene: AARS1 (alanyl-tRNA synthetase 1; minus strand). Cytogenetic location: 16q22.1.
Variant type: single nucleotide variant.
Coding change: c.617A>C on transcript NM_001605.3 (MANE Select); coding-DNA position 617, A replaced by C.
Protein change: p.Gln206Pro; replaces glutamine 206 with proline.
Molecular consequence: missense variant.
Genome position (GRCh38, 1-based): chr16:70,271,835, T>G on the plus strand (A>C on the coding strand, the complement: AARS1 is on the minus strand). VCF-style: chr16-70271835-T-G. GRCh37 (hg19) VCF-style: chr16-70305738-T-G.
Other names: short protein forms Q206P.
Identifiers: ClinVar variation 3373561 (VCV003373561.1).

ClinVar aggregate classification (germline): Uncertain significance (1 of 4 stars; one submission).

gnomAD v4.1: 1 of 1,614,054 alleles (0.000062%); highest among the groups gnomAD compares: Non-Finnish European, 0.000085%; no homozygotes.

Submission:

GeneDx
Classification: Uncertain significance. Last evaluated: 2024-03-04. Review status: criteria provided, single submitter. Criteria: GeneDx Variant Classification Process June 2021. Collection method: clinical testing. Allele origin: germline. Affected: yes.
Comment: Not observed at significant frequency in large population cohorts (gnomAD); In silico analysis supports that this missense variant has a deleterious effect on protein structure/function; Has not been previously published as pathogenic or benign to our knowledge; This variant is associated with the following publications: (PMID: 25817015)